The following is an entry in ClinVar:

GRCh37/hg19 6q27(chr6:168051206-170919482)x1

Genes: AFDN (afadin, adherens junction formation factor; plus strand), C6orf120 (chromosome 6 open reading frame 120; plus strand), DACT2 (dishevelled binding antagonist of beta catenin 2; minus strand), DLL1 (delta like canonical Notch ligand 1; minus strand), DYNLT2 (dynein light chain Tctex-type 2; minus strand) and 12 more. Cytogenetic location: 6q27.
Variant type: copy number loss.
Change: copy number 1 (one copy instead of two) of chr6:168,051,206-170,919,482 (2.87 Mb, GRCh37 coordinates, 1-based), cytogenetic band 6q27.
Identifiers: ClinVar variation 1340090 (VCV001340090.1).

ClinVar aggregate classification (germline): Pathogenic (0 of 4 stars; one submission).

Submission:

Quest Diagnostics Nichols Institute San Juan Capistrano
Classification: Pathogenic. Last evaluated: 2021-03-01. Review status: no assertion criteria provided. Collection method: clinical testing. Allele origin: germline.
Comment: The copy number loss of 6q27 involves multiple coding genes, including DLL1 (OMIM 606582), and is expected to cause phenotypic and/or developmental abnormalities. Patients with terminal deletions of chromosome 6q present with structural brain abnormalities which may include agenesis of corpus callosum, hydrocephalus, periventricular nodular heterotopia, and cerebellar malformations (Peddibhotla et al., Eur J Hum Genet . 2015 Jan;23(1):54-60. PMID:24736736) . Haploinsufficiency of DLL1 is associated with autosomal dominant neurodevelopmental disorder with nonspecific brain abnormalities with or without seizures (OMIM 618709). This deletion interval overlaps two additional genes associated with dominant phenotypes: ERMARD (OMIM 615532) and TBP (OMIM 607136).